The following is an entry in ClinVar:

NM_022041.4(GAN):c.1634G>A (p.Arg545His)

Gene: GAN (gigaxonin; plus strand). Cytogenetic location: 16q23.2.
Variant type: single nucleotide variant.
Coding change: c.1634G>A on transcript NM_022041.4 (MANE Select); coding-DNA position 1634, G replaced by A.
Protein change: p.Arg545His; replaces arginine 545 with histidine.
Molecular consequence: missense variant.
Genome position (GRCh38, 1-based): chr16:81,377,436, G>A. VCF-style: chr16-81377436-G-A. GRCh37 (hg19) VCF-style: chr16-81411041-G-A.
Other names: c.995G>A, p.Arg332His (NM_001377486.1); short protein forms R545H, R332H.
Identifiers: ClinVar variation 637092 (VCV000637092.7), dbSNP rs746486469, ClinGen allele CA8191849.

ClinVar aggregate classification (germline): Pathogenic/Likely pathogenic. Review status: criteria provided, multiple submitters, no conflicts (2 of 4 stars). 5 submissions from 5 submitters: Pathogenic (1); Likely pathogenic (2). 2 of the submissions do not count toward it. Last evaluated 2025-09-10.

Conditions:
Giant axonal neuropathy 1 (GAN1). Also called: GIANT AXONAL NEUROPATHY 1, AUTOSOMAL RECESSIVE; GAN-Related Neurodegeneration. Identifiers: Orphanet 643, MedGen C1850386, MONDO:0009749, OMIM 256850.

Allele frequency attached by ClinVar (database versions not stated): ExAC 0.00002; gnomAD 0.00003 and 0.00004; gnomAD exomes 0.00003.
gnomAD v4.1: 23 of 1,613,888 alleles (0.0014%); highest among the groups gnomAD compares: Non-Finnish European, 0.00042%; no homozygotes.

Submissions (5):

Genomic Medicine Center of Excellence, King Faisal Specialist Hospital and Research Centre
Classification: Likely pathogenic for Giant axonal neuropathy 1. Last evaluated: 2025-09-10. Review status: criteria provided, single submitter. Criteria: ACMG Guidelines, 2015. Collection method: clinical testing. Allele origin: germline.

Labcorp Genetics (formerly Invitae), Labcorp
Classification: Pathogenic for Giant axonal neuropathy 1. Last evaluated: 2025-04-11. Review status: criteria provided, single submitter. Criteria: Invitae Variant Classification Sherloc (09022015). Collection method: clinical testing. Allele origin: germline.
Comment: This sequence change replaces arginine, which is basic and polar, with histidine, which is basic and polar, at codon 545 of the GAN protein (p.Arg545His). This variant is present in population databases (rs746486469, gnomAD 0.03%). This missense change has been observed in individual(s) with giant axonal neuropathy (PMID: 17587580, 19295179, 23248352, 30246730). In at least one individual the data is consistent with being in trans (on the opposite chromosome) from a pathogenic variant. ClinVar contains an entry for this variant (Variation ID: 637092). An algorithm developed to predict the effect of missense changes on protein structure and function (PolyPhen-2) suggests that this variant is likely to be disruptive. For these reasons, this variant has been classified as Pathogenic.

Royal Medical Services, Bahrain Defence Force Hospital
Classification: Likely pathogenic for Giant axonal neuropathy 1. Review status: criteria provided, single submitter. Criteria: ACMG Guidelines, 2015. Collection method: clinical testing. Allele origin: inherited. Inheritance: Autosomal recessive inheritance. Affected: yes. Observed: 1 homozygote.

Inherited Neuropathy Consortium Ii, University Of Miami
Classification: Uncertain significance for Giant axonal neuropathy 1. Last evaluated: 2016-01-06. Review status: no assertion criteria provided. Collection method: literature only. Allele origin: germline. Affected: yes. Not counted in ClinVar's aggregate classification.

Inherited Neuropathy Consortium
Classification: Uncertain significance for Giant axonal neuropathy. Review status: no assertion criteria provided. Collection method: literature only. Allele origin: germline. Affected: yes. Not counted in ClinVar's aggregate classification.

Literature cited by the submitters: PubMed 17587580 (cited by 4 submitters); PubMed 19295179 (cited by Labcorp Genetics (formerly Invitae), Labcorp); PubMed 23248352 (cited by Labcorp Genetics (formerly Invitae), Labcorp); PubMed 30246730 (cited by Labcorp Genetics (formerly Invitae), Labcorp and Royal Medical Services, Bahrain Defence Force Hospital); PubMed 31771860 (cited by Royal Medical Services, Bahrain Defence Force Hospital).